The following is an entry in ClinVar:

NM_001457.4(FLNB):c.3162C>T (p.Leu1054=)

Gene: FLNB (filamin B; plus strand). Cytogenetic location: 3p14.3.
Variant type: single nucleotide variant.
Coding change: c.3162C>T on transcript NM_001457.4 (MANE Select); coding-DNA position 3162, C replaced by T.
Protein change: p.Leu1054=; no amino-acid change (leucine 1054 retained).
Molecular consequence: synonymous variant.
Genome position (GRCh38, 1-based): chr3:58,123,128, C>T. VCF-style: chr3-58123128-C-T. GRCh37 (hg19) VCF-style: chr3-58108855-C-T.
Other names: c.3162C>T, p.Leu1054= (NM_001164317.2, NM_001164318.2, NM_001164319.2).
Identifiers: ClinVar variation 708311 (VCV000708311.9), dbSNP rs762025870, ClinGen allele CA2468346.

ClinVar aggregate classification (germline): Likely benign. Review status: criteria provided, multiple submitters, no conflicts (2 of 4 stars). 3 submissions from 3 submitters: Likely benign (3). Last evaluated 2025-04-30.

Conditions:
FLNB-related disorder. Also called: FLNB-related disorders; FLNB-related condition. Identifiers: MedGen CN381095.

Allele frequency attached by ClinVar (database versions not stated): gnomAD 0.00004; TOPMed 0.00006; ExAC 0.00007.
gnomAD v4.1: 49 of 1,614,056 alleles (0.003%); highest among the groups gnomAD compares: Middle Eastern, 0.033%; no homozygotes.

Submissions (3):

PreventionGenetics, part of Exact Sciences
Classification: Likely benign for FLNB-related condition. Last evaluated: 2025-04-30. Review status: criteria provided, single submitter. Criteria: ACMG Guidelines, 2015. Collection method: clinical testing. Allele origin: germline.
Comment: This variant is classified as likely benign based on ACMG/AMP sequence variant interpretation guidelines (Richards et al. 2015 PMID: 25741868, with internal and published modifications).

Labcorp Genetics (formerly Invitae), Labcorp
Classification: Likely benign. Last evaluated: 2025-04-22. Review status: criteria provided, single submitter. Criteria: Invitae Variant Classification Sherloc (09022015). Collection method: clinical testing. Allele origin: germline.

Blueprint Genetics
Classification: Likely benign. Last evaluated: 2022-04-12. Review status: criteria provided, single submitter. Criteria: ACMG Guidelines, 2015. Collection method: clinical testing. Allele origin: germline.